The following is an entry in ClinVar:

ClinVar aggregate classification (germline): Uncertain significance (1 of 4 stars; one submission).

Conditions:
Megacystis-microcolon-intestinal hypoperistalsis syndrome 1. Identifiers: MedGen C5542316, MONDO:0100354, OMIM 249210.
Aortic aneurysm, familial thoracic 7 (AAT7). Also called: AORTIC DISSECTION, FAMILIAL, WITH OR WITHOUT AORTIC ANEURYSM. Identifiers: MedGen C3151077, MONDO:0013418, OMIM 613780.

gnomAD v4.1: 6 of 1,614,230 alleles (0.00037%); highest among the groups gnomAD compares: Non-Finnish European, 0.00051%; no homozygotes.

Submission:

Juno Genomics, Hangzhou Juno Genomics, Inc
Classification: Uncertain significance for Aortic aneurysm, familial thoracic 7; Megacystis-microcolon-intestinal hypoperistalsis syndrome 1. Review status: criteria provided, single submitter. Criteria: ACMG Guidelines, 2015. Collection method: clinical testing. Allele origin: germline.
Comment: Absent from controls (or at extremely low frequency if recessive) in Genome Aggregation Database.;Multiple lines of computational evidence suggest no impact on gene or gene product.;Missense variant in a gene that has a low rate of benign missense variation.

NM_053025.4(MYLK):c.3766G>A (p.Glu1256Lys)

Gene: MYLK (myosin light chain kinase; minus strand). Cytogenetic location: 3q21.1.
Variant type: single nucleotide variant.
Coding change: c.3766G>A on transcript NM_053025.4 (MANE Select); coding-DNA position 3766, G replaced by A.
Protein change: p.Glu1256Lys; replaces glutamic acid 1256 with lysine.
Molecular consequence: missense variant.
Genome position (GRCh38, 1-based): chr3:123,666,284, C>T on the plus strand (G>A on the coding strand, the complement: MYLK is on the minus strand). VCF-style: chr3-123666284-C-T. GRCh37 (hg19) VCF-style: chr3-123385131-C-T.
Other names: c.3238G>A, p.Glu1080Lys (NM_001321309.2); c.3559G>A, p.Glu1187Lys (NM_053026.4, NM_053028.4); c.3766G>A, p.Glu1256Lys (NM_053027.4); short protein forms E1187K, E1080K, E1256K.
Identifiers: ClinVar variation 5006524 (VCV005006524.2).